The following is an entry in ClinVar:

NM_198129.4(LAMA3):c.160C>T (p.Leu54=)

Gene: LAMA3 (laminin subunit alpha 3; plus strand). Cytogenetic location: 18q11.2.
Variant type: single nucleotide variant.
Coding change: c.160C>T on transcript NM_198129.4 (MANE Select); coding-DNA position 160, C replaced by T.
Protein change: p.Leu54=; no amino-acid change (leucine 54 retained).
Molecular consequence: synonymous variant. On other transcripts: non-coding transcript variant (1).
Genome position (GRCh38, 1-based): chr18:23,689,843, C>T. VCF-style: chr18-23689843-C-T. GRCh37 (hg19) VCF-style: chr18-21269807-C-T.
Other names: c.160C>T (NM_198129.2); c.160C>T, p.Leu54= (NM_001127717.4, NM_001302996.2).
Identifiers: ClinVar variation 2071994 (VCV002071994.8), dbSNP rs565693075, ClinGen allele CA8914183.

ClinVar aggregate classification (germline): Likely benign. Review status: criteria provided, multiple submitters, no conflicts (2 of 4 stars). 4 submissions from 4 submitters: Likely benign (3). 1 of the submissions does not count toward it. Last evaluated 2026-08-01.

Conditions:
LAMA3-related disorder. Also called: LAMA3-related disorders; LAMA3-related condition.

Allele frequency attached by ClinVar (database versions not stated): gnomAD exomes 0.00004; gnomAD 0.00059; 1000 Genomes Project 0.00060; TOPMed 0.00060; 1000 Genomes Project 30x 0.00062; ExAC 0.00031.
gnomAD v4.1: 140 of 1,553,776 alleles (0.009%); highest among the groups gnomAD compares: African/African-American, 0.18%; no homozygotes.

Submissions (4):

CeGaT Center for Human Genetics Tuebingen
Classification: Likely benign. Last evaluated: 2026-08-01. Review status: criteria provided, single submitter. Criteria: CeGaT Center For Human Genetics Tuebingen Variant Classification Criteria Version 2. Collection method: clinical testing. Allele origin: germline. Affected: yes. Observed: 1 variant allele.
Comment: LAMA3: BP4, BP7

Blueprint Genetics
Classification: Likely benign. Last evaluated: 2020-02-03. Review status: criteria provided, single submitter. Criteria: ACMG Guidelines, 2015. Collection method: clinical testing. Allele origin: germline.

Labcorp Genetics (formerly Invitae), Labcorp
Classification: Likely benign. Last evaluated: 2020-01-31. Review status: criteria provided, single submitter. Criteria: Invitae Variant Classification Sherloc (09022015). Collection method: clinical testing. Allele origin: germline.

PreventionGenetics, part of Exact Sciences
Classification: Likely benign for LAMA3-related condition. Last evaluated: 2019-08-01. Review status: no assertion criteria provided. Collection method: clinical testing. Allele origin: germline. Not counted in ClinVar's aggregate classification.
Comment: This variant is classified as likely benign based on ACMG/AMP sequence variant interpretation guidelines (Richards et al. 2015 PMID: 25741868, with internal and published modifications).